The following is an entry in ClinVar:

ClinVar aggregate classification (germline): Uncertain significance (1 of 4 stars; one submission).

Allele frequency attached by ClinVar (database versions not stated): gnomAD exomes 0.00001; 1000 Genomes Project 30x 0.00016; 1000 Genomes Project 0.00020.

Submission:

Labcorp Genetics (formerly Invitae), Labcorp
Classification: Uncertain significance. Last evaluated: 2024-12-02. Review status: criteria provided, single submitter. Criteria: Invitae Variant Classification Sherloc (09022015). Collection method: clinical testing. Allele origin: germline.
Comment: This sequence change replaces glycine, which is neutral and non-polar, with aspartic acid, which is acidic and polar, at codon 62 of the DNAJB13 protein (p.Gly62Asp). This variant is not present in population databases (gnomAD no frequency). This variant has not been reported in the literature in individuals affected with DNAJB13-related conditions. ClinVar contains an entry for this variant (Variation ID: 2703785). Invitae Evidence Modeling of protein sequence and biophysical properties (such as structural, functional, and spatial information, amino acid conservation, physicochemical variation, residue mobility, and thermodynamic stability) indicates that this missense variant is not expected to disrupt DNAJB13 protein function with a negative predictive value of 80%. In summary, the available evidence is currently insufficient to determine the role of this variant in disease. Therefore, it has been classified as a Variant of Uncertain Significance.

NM_153614.4(DNAJB13):c.185G>A (p.Gly62Asp)

Gene: DNAJB13 (DnaJ heat shock protein family (Hsp40) member B13; plus strand). Cytogenetic location: 11q13.4.
Variant type: single nucleotide variant.
Coding change: c.185G>A on transcript NM_153614.4 (MANE Select); coding-DNA position 185, G replaced by A.
Protein change: p.Gly62Asp; replaces glycine 62 with aspartic acid.
Molecular consequence: missense variant.
Genome position (GRCh38, 1-based): chr11:73,959,506, G>A. VCF-style: chr11-73959506-G-A. GRCh37 (hg19) VCF-style: chr11-73670551-G-A.
Other names: c.11G>A, p.Gly4Asp (NM_001377263.1); short protein forms G62D, G4D.
Identifiers: ClinVar variation 2703785 (VCV002703785.3), dbSNP rs140841219, ClinGen allele CA224489867.
Genomic context (GRCh38, chr11:73,959,506, plus strand): 5'-CTCAGCCCCCAAAGTTGGACACCTCCTTAAGGTGATGCCCATCCACAGCCATGAAGAGAG[G>A]CATCTACGACAAGTTTGGAGAAGAGGGCCTGAAGGGTGGGATTCCTTTGGAGTTTGGATC-3'
Protein context (NP_705842.2, residues 52-72): YDVLSDPMKR[Gly62Asp]IYDKFGEEGL